The following is an entry in ClinVar:

ClinVar aggregate classification (germline): Uncertain significance (1 of 4 stars; one submission).

Submission:

Labcorp Genetics (formerly Invitae), Labcorp
Classification: Uncertain significance. Last evaluated: 2023-06-15. Review status: criteria provided, single submitter. Criteria: Invitae Variant Classification Sherloc (09022015). Collection method: clinical testing. Allele origin: germline.
Comment: This sequence change replaces proline, which is neutral and non-polar, with histidine, which is basic and polar, at codon 129 of the OAS1 protein (p.Pro129His). This variant is not present in population databases (gnomAD no frequency). This variant has not been reported in the literature in individuals affected with OAS1-related conditions. An algorithm developed to predict the effect of missense changes on protein structure and function (PolyPhen-2) suggests that this variant is likely to be disruptive. In summary, the available evidence is currently insufficient to determine the role of this variant in disease. Therefore, it has been classified as a Variant of Uncertain Significance.

NM_016816.4(OAS1):c.386C>A (p.Pro129His)

Gene: OAS1 (2'-5'-oligoadenylate synthetase 1; plus strand). Cytogenetic location: 12q24.13.
Variant type: single nucleotide variant.
Coding change: c.386C>A on transcript NM_016816.4 (MANE Select); coding-DNA position 386, C replaced by A.
Protein change: p.Pro129His; replaces proline 129 with histidine.
Molecular consequence: missense variant. On other transcripts: non-coding transcript variant (9), intron variant (4).
Genome position (GRCh38, 1-based): chr12:112,908,741, C>A. VCF-style: chr12-112908741-C-A. GRCh37 (hg19) VCF-style: chr12-113346546-C-A.
Other names: c.386C>A, p.Pro129His (NM_001406021.1, NM_001406022.1, NM_001406023.1 and 7 more transcripts); c.180+1522C>A (NM_001406030.1, NM_001406029.1, NM_001406027.1 and 1 more transcripts); short protein forms P129H.
Identifiers: ClinVar variation 2987059 (VCV002987059.3), dbSNP rs146859513, ClinGen allele CA386800776.